The following is an entry in ClinVar:

NM_198576.4(AGRN):c.2284G>T (p.Ala762Ser)

Gene: AGRN (agrin; plus strand). Cytogenetic location: 1p36.33.
Variant type: single nucleotide variant.
Coding change: c.2284G>T on transcript NM_198576.4 (MANE Select); coding-DNA position 2284, G replaced by T.
Protein change: p.Ala762Ser; replaces alanine 762 with serine.
Molecular consequence: missense variant.
Genome position (GRCh38, 1-based): chr1:1,045,190, G>T. VCF-style: chr1-1045190-G-T. GRCh37 (hg19) VCF-style: chr1-980570-G-T.
Other names: c.2284G>T, p.Ala762Ser (NM_001305275.2); c.1969G>T, p.Ala657Ser (NM_001364727.2); short protein forms A762S, A657S.
Identifiers: ClinVar variation 3017440 (VCV003017440.2), dbSNP rs755515269, ClinGen allele CA508571.

ClinVar aggregate classification (germline): Uncertain significance (1 of 4 stars; one submission).

Conditions:
Congenital myasthenic syndrome 8. Also called: MYASTHENIC SYNDROME, CONGENITAL, DUE TO AGRIN DEFICIENCY; Myasthenic syndrome, congenital, 8, with pre- and postsynaptic defects. Identifiers: Orphanet 590, MedGen C3808739, MONDO:0014052, OMIM 615120.

Allele frequency attached by ClinVar (database versions not stated): gnomAD exomes 0.00001; ExAC 0.00002.
gnomAD v4.1: 9 of 1,612,614 alleles (0.00056%); highest among the groups gnomAD compares: Non-Finnish European, 0.00076%; no homozygotes.

Submission:

Labcorp Genetics (formerly Invitae), Labcorp
Classification: Uncertain significance for Congenital myasthenic syndrome 8. Last evaluated: 2024-06-03. Review status: criteria provided, single submitter. Criteria: Invitae Variant Classification Sherloc (09022015). Collection method: clinical testing. Allele origin: germline.
Comment: This sequence change replaces alanine, which is neutral and non-polar, with serine, which is neutral and polar, at codon 762 of the AGRN protein (p.Ala762Ser). This variant is present in population databases (rs755515269, gnomAD 0.004%). This variant has not been reported in the literature in individuals affected with AGRN-related conditions. An algorithm developed to predict the effect of missense changes on protein structure and function (PolyPhen-2) suggests that this variant¬¨‚Ä†is likely to be tolerated. In summary, the available evidence is currently insufficient to determine the role of this variant in disease. Therefore, it has been classified as a Variant of Uncertain Significance.